The following is an entry in ClinVar:

ClinVar aggregate classification (germline): Pathogenic (1 of 4 stars; one submission).

Submission:

Labcorp Genetics (formerly Invitae), Labcorp
Classification: Pathogenic. Last evaluated: 2023-07-08. Review status: criteria provided, single submitter. Criteria: Invitae Variant Classification Sherloc (09022015). Collection method: clinical testing. Allele origin: germline.
Comment: This variant is not present in population databases (gnomAD no frequency). This sequence change creates a premature translational stop signal (p.Gly5337Argfs*11) in the ADGRV1 gene. It is expected to result in an absent or disrupted protein product. Loss-of-function variants in ADGRV1 are known to be pathogenic (PMID: 19357117, 22135276, 22147658, 26226137, 30718709, 31047384, 32467589). This variant has not been reported in the literature in individuals affected with ADGRV1-related conditions. For these reasons, this variant has been classified as Pathogenic.

Literature cited by the submitters: PubMed 19357117; PubMed 22135276; PubMed 22147658; PubMed 26226137; PubMed 30718709; PubMed 31047384; PubMed 32467589.

NM_032119.4(ADGRV1):c.16008dup (p.Gly5337fs)

Gene: ADGRV1 (adhesion G protein-coupled receptor V1; plus strand). Cytogenetic location: 5q14.3.
Variant type: Duplication.
Coding change: c.16008dup on transcript NM_032119.4 (MANE Select); coding-DNA position 16008, one base duplicated (A; older notation c.16008dupA).
Protein change: p.Gly5337fs; shifts the reading frame from glycine 5337.
Molecular consequence: frameshift variant. On other transcripts: non-coding transcript variant (1).
Genome position (GRCh38, 1-based): chr5:90,811,268, A duplicated; the last of 2 consecutive A bases (chr5:90,811,267-90,811,268); duplicating either gives the same sequence. VCF-style (leftmost placement, unchanged base first): chr5-90811266-C-CA. GRCh37 (hg19) VCF-style: chr5-90107083-C-CA.
Other names: short protein forms G5337fs.
Identifiers: ClinVar variation 2739134 (VCV002739134.3), dbSNP rs2532193953, ClinGen allele CA2697546364.